The following is an entry in ClinVar:

ClinVar aggregate classification (germline): Uncertain significance. Review status: criteria provided, single submitter (1 of 4 stars). 2 submissions from 2 submitters: Uncertain significance (1). 1 of the submissions does not count toward it. Last evaluated 2025-02-13.

gnomAD v4.1: 3 of 1,547,500 alleles (0.00019%); highest among the groups gnomAD compares: Admixed American, 0.002%; no homozygotes.

Submissions (2):

Labcorp Genetics (formerly Invitae), Labcorp
Classification: Uncertain significance. Last evaluated: 2025-02-13. Review status: criteria provided, single submitter. Criteria: Invitae Variant Classification Sherloc (09022015). Collection method: clinical testing. Allele origin: germline.
Comment: This sequence change replaces proline, which is neutral and non-polar, with arginine, which is basic and polar, at codon 39 of the COL9A3 protein (p.Pro39Arg). This variant is present in population databases (no rsID available, gnomAD 0.01%). This variant has not been reported in the literature in individuals affected with COL9A3-related conditions. ClinVar contains an entry for this variant (Variation ID: 1049430). Invitae Evidence Modeling of protein sequence and biophysical properties (such as structural, functional, and spatial information, amino acid conservation, physicochemical variation, residue mobility, and thermodynamic stability) indicates that this missense variant is not expected to disrupt COL9A3 protein function with a negative predictive value of 95%. In summary, the available evidence is currently insufficient to determine the role of this variant in disease. Therefore, it has been classified as a Variant of Uncertain Significance.

Department of Pathology and Laboratory Medicine, Sinai Health System
Classification: Uncertain significance. Review status: no assertion criteria provided. Collection method: clinical testing. Allele origin: unknown. Affected: yes. Study: The Canadian Open Genetics Repository (COGR). Not counted in ClinVar's aggregate classification.
Comment: The COL9A3 p.P39R variant was identified in literature in an individual with disorders/differences of sex development; this individual also carried an additional missense mutation in CDH23Â¬â€ (p.Y2407*) and two synonymous mutations in MAML1Â¬â€ (D458=)Â¬â€ and NOTCHÂ¬â€ (L1199=)Â¬â€ (Fluck_2019_PMID:31555317).Â¬â€ The variant was identified in dbSNP (ID: rs1028982816) but was not identified in ClinVar.Â¬â€ The variant was identified in control databases in 2 of 142916 chromosomes at a frequency of 0.00001399 (Genome Aggregation Database March 6, 2019, v2.1.1). The p.P39 residue is conserved in mammals and computational analyses (MUT Assesor, SIFT, MutationTaster, Revel, FATHMM, MetaLR, DANN) suggest that the variant may impact the protein; however, this information is not predictive enough to assume pathogenicity. The variant occurs outside of the splicing consensus sequence and in silico or computational prediction software programs (Splice AI exome) do not predict a difference in splicing. In summary, based on the above information the clinical significance of this variant cannot be determined with certainty at this time. This variant is classified as a variant of uncertain significance.

NM_001853.4(COL9A3):c.116C>G (p.Pro39Arg)

Gene: COL9A3 (collagen type IX alpha 3 chain; plus strand). Cytogenetic location: 20q13.33.
Variant type: single nucleotide variant.
Coding change: c.116C>G on transcript NM_001853.4 (MANE Select); coding-DNA position 116, C replaced by G.
Protein change: p.Pro39Arg; replaces proline 39 with arginine.
Molecular consequence: missense variant.
Genome position (GRCh38, 1-based): chr20:62,817,604, C>G. VCF-style: chr20-62817604-C-G. GRCh37 (hg19) VCF-style: chr20-61448956-C-G.
Other names: short protein forms P39R.
Identifiers: ClinVar variation 1049430 (VCV001049430.7), dbSNP rs1028982816, ClinGen allele CA317319437.